The following is an entry in ClinVar:

ClinVar aggregate classification (germline): Uncertain significance (1 of 4 stars; one submission).

Conditions:
Neuronal ceroid lipofuscinosis. Also called: Neuronal Ceroid Lipofuscinoses. Identifiers: Orphanet 216, Orphanet 79263, MedGen C0027877, MONDO:0016295. Disease mechanism: loss of function.

Submission:

Labcorp Genetics (formerly Invitae), Labcorp
Classification: Uncertain significance for Neuronal ceroid lipofuscinosis. Last evaluated: 2022-03-05. Review status: criteria provided, single submitter. Criteria: Invitae Variant Classification Sherloc (09022015). Collection method: clinical testing. Allele origin: germline.
Comment: This sequence change replaces leucine, which is neutral and non-polar, with valine, which is neutral and non-polar, at codon 46 of the CLN3 protein (p.Leu46Val). This variant is not present in population databases (gnomAD no frequency). This variant has not been reported in the literature in individuals affected with CLN3-related conditions. Algorithms developed to predict the effect of missense changes on protein structure and function (SIFT, PolyPhen-2, Align-GVGD) all suggest that this variant is likely to be disruptive. In summary, the available evidence is currently insufficient to determine the role of this variant in disease. Therefore, it has been classified as a Variant of Uncertain Significance.

NM_001042432.2(CLN3):c.136C>G (p.Leu46Val)

Gene: CLN3 (CLN3 lysosomal/endosomal transmembrane protein, battenin; minus strand). Cytogenetic location: 16p12.1.
Variant type: single nucleotide variant.
Coding change: c.136C>G on transcript NM_001042432.2 (MANE Select); coding-DNA position 136, C replaced by G.
Protein change: p.Leu46Val; replaces leucine 46 with valine.
Molecular consequence: missense variant. On other transcripts: 5 prime UTR variant (3).
Genome position (GRCh38, 1-based): chr16:28,489,376, G>C on the plus strand (C>G on the coding strand, the complement: CLN3 is on the minus strand). VCF-style: chr16-28489376-G-C. GRCh37 (hg19) VCF-style: chr16-28500697-G-C.
Other names: c.136C>G, p.Leu46Val (NM_000086.2, NM_001286104.2); c.-85C>G (NM_001286105.2); c.-27C>G (NM_001286109.2, NM_001286110.2); short protein forms L46V.
Identifiers: ClinVar variation 2107087 (VCV002107087.1), dbSNP rs1360860411, ClinGen allele CA395346566.